The following is an entry in ClinVar:

ClinVar aggregate classification (germline): Conflicting classifications of pathogenicity. Review status: criteria provided, conflicting classifications (1 of 4 stars). 2 submissions from 2 submitters: Uncertain significance (1); Likely benign (1). Last evaluated 2023-04-28.

Allele frequency attached by ClinVar (database versions not stated): TOPMed 0.00005.
gnomAD v4.1: 24 of 1,608,054 alleles (0.0015%); highest among the groups gnomAD compares: Middle Eastern, 0.017%; no homozygotes.

Submissions (2):

Ambry Genetics
Classification: Likely benign. Last evaluated: 2023-04-28. Review status: criteria provided, single submitter. Criteria: Ambry Variant Classification Scheme 2023. Collection method: clinical testing. Allele origin: germline.

Labcorp Genetics (formerly Invitae), Labcorp
Classification: Uncertain significance. Last evaluated: 2022-08-23. Review status: criteria provided, single submitter. Criteria: Invitae Variant Classification Sherloc (09022015). Collection method: clinical testing. Allele origin: germline.
Comment: In summary, the available evidence is currently insufficient to determine the role of this variant in disease. Therefore, it has been classified as a Variant of Uncertain Significance. Algorithms developed to predict the effect of missense changes on protein structure and function output the following: SIFT: "Not Available"; PolyPhen-2: "Benign"; Align-GVGD: "Not Available". The threonine amino acid residue is found in multiple mammalian species, which suggests that this missense change does not adversely affect protein function. ClinVar contains an entry for this variant (Variation ID: 955279). This variant has not been reported in the literature in individuals affected with CEP250-related conditions. This variant is present in population databases (rs375032151, gnomAD 0.02%). This sequence change replaces alanine, which is neutral and non-polar, with threonine, which is neutral and polar, at codon 1238 of the CEP250 protein (p.Ala1238Thr).

NM_007186.6(CEP250):c.3712G>A (p.Ala1238Thr)

Gene: CEP250 (centrosomal protein 250; plus strand). Cytogenetic location: 20q11.22.
Variant type: single nucleotide variant.
Coding change: c.3712G>A on transcript NM_007186.6 (MANE Select); coding-DNA position 3712, G replaced by A.
Protein change: p.Ala1238Thr; replaces alanine 1238 with threonine.
Molecular consequence: missense variant.
Genome position (GRCh38, 1-based): chr20:35,498,651, G>A. VCF-style: chr20-35498651-G-A. GRCh37 (hg19) VCF-style: chr20-34086480-G-A.
Other names: c.3712G>A (NM_007186.3); c.1816G>A, p.Ala606Thr (NM_001318219.1); short protein forms A1238T, A606T.
Identifiers: ClinVar variation 955279 (VCV000955279.11), dbSNP rs375032151, ClinGen allele CA9833542.
Genomic context (GRCh38, chr20:35,498,651, plus strand): 5'-TCAGACCAGAATGGAGCTAGGAGCCTCTTTAAGAGAGGGCCCCTGCTGACTGCTCTCTCC[G>A]CTGAGGCAGTAGCATCTGCCCTCCACAAGCTTCATCAAGACCTGTGGAAGACTCAACAGA-3'
Protein context (NP_009117.2, residues 1228-1248): KRGPLLTALS[Ala1238Thr]EAVASALHKL